The following is an entry in ClinVar:

ClinVar aggregate classification (germline): Uncertain significance (1 of 4 stars; one submission).

Submission:

GeneDx
Classification: Uncertain significance. Last evaluated: 2026-03-03. Review status: criteria provided, single submitter. Criteria: GeneDx Variant Classification Process June 2021. Collection method: clinical testing. Allele origin: germline.
Comment: Not observed at significant frequency in large population cohorts (gnomAD); Missense variant in a gene in which most reported pathogenic variants are truncating/loss of function; Has not been previously published as pathogenic or benign to our knowledge

NM_001267550.2(TTN):c.43208T>G (p.Val14403Gly)

Gene: TTN (titin; minus strand). Cytogenetic location: 2q31.2.
Variant type: single nucleotide variant.
Coding change: c.43208T>G on transcript NM_001267550.2 (MANE Select); coding-DNA position 43208, T replaced by G.
Protein change: p.Val14403Gly; replaces valine 14403 with glycine.
Molecular consequence: missense variant.
Genome position (GRCh38, 1-based): chr2:178,632,923, A>C on the plus strand (T>G on the coding strand, the complement: TTN is on the minus strand). VCF-style: chr2-178632923-A-C. GRCh37 (hg19) VCF-style: chr2-179497650-A-C.
Other names: c.38285T>G, p.Val12762Gly (NM_001256850.1); c.16013T>G, p.Val5338Gly (NM_003319.4); c.35504T>G, p.Val11835Gly (NM_133378.4); c.16388T>G, p.Val5463Gly (NM_133432.3); c.16589T>G, p.Val5530Gly (NM_133437.4); short protein forms V12762G, V5530G, V5338G, V5463G, V11835G, V14403G.
Identifiers: ClinVar variation 5008281 (VCV005008281.1).